The following is an entry in ClinVar:

ClinVar aggregate classification (germline): Uncertain significance (1 of 4 stars; one submission).

Submission:

GeneDx
Classification: Uncertain significance. Last evaluated: 2022-08-25. Review status: criteria provided, single submitter. Criteria: GeneDx Variant Classification Process June 2021. Collection method: clinical testing. Allele origin: germline. Affected: yes.
Comment: Not observed at significant frequency in large population cohorts (gnomAD); In silico analysis supports that this missense variant does not alter protein structure/function; Has not been previously published as pathogenic or benign to our knowledge

NM_030632.3(ASXL3):c.2896A>T (p.Thr966Ser)

Gene: ASXL3 (ASXL transcriptional regulator 3; plus strand). Cytogenetic location: 18q12.1.
Variant type: single nucleotide variant.
Coding change: c.2896A>T on transcript NM_030632.3 (MANE Select); coding-DNA position 2896, A replaced by T.
Protein change: p.Thr966Ser; replaces threonine 966 with serine.
Molecular consequence: missense variant.
Genome position (GRCh38, 1-based): chr18:33,740,300, A>T. VCF-style: chr18-33740300-A-T. GRCh37 (hg19) VCF-style: chr18-31320264-A-T.
Other names: short protein forms T966S.
Identifiers: ClinVar variation 2430547 (VCV002430547.1), dbSNP rs2510920946, ClinGen allele CA402181741.